The following is an entry in ClinVar:

ClinVar aggregate classification (germline): Pathogenic. Review status: criteria provided, multiple submitters, no conflicts (2 of 4 stars). 2 submissions from 2 submitters: Pathogenic (2). Last evaluated 2025-09-08.

Conditions:
Usher syndrome type 1 (USH1). Also called: RETINITIS PIGMENTOSA AND CONGENITAL DEAFNESS. Identifiers: Orphanet 231169, Orphanet 886, MedGen C1568247, MONDO:0010168, OMIM 276900.

Submissions (2):

Myriad Genetics, Inc.
Classification: Pathogenic for Usher syndrome type 1. Last evaluated: 2025-09-08. Review status: criteria provided, single submitter. Criteria: Myriad Autosomal Dominant, Autosomal Recessive and X-Linked Classification Criteria (2023). Collection method: clinical testing. Allele origin: unknown.
Comment: NM_000260.3(MYO7A):c.4959delT(N1653Kfs*34) is a frameshift variant classified as pathogenic in the context of MYO7A-related disorders. N1653Kfs*34 has not been observed in cases with relevant disease. Relevant functional assessments of this variant are not available in the literature. N1653Kfs*34 has not been observed in referenced population frequency databases. In summary, NM_000260.3(MYO7A):c.4959delT(N1653Kfs*34) is a frameshift variant in a gene where loss of function is a known mechanism of disease and is predicted to disrupt protein function. Please note: this variant was assessed in the context of healthy population screening.

Labcorp Genetics (formerly Invitae), Labcorp
Classification: Pathogenic. Last evaluated: 2025-01-01. Review status: criteria provided, single submitter. Criteria: Invitae Variant Classification Sherloc (09022015). Collection method: clinical testing. Allele origin: germline.
Comment: This sequence change creates a premature translational stop signal (p.Asn1653Lysfs*34) in the MYO7A gene. It is expected to result in an absent or disrupted protein product. Loss-of-function variants in MYO7A are known to be pathogenic (PMID: 8900236, 25404053). This variant is not present in population databases (gnomAD no frequency). This variant has not been reported in the literature in individuals affected with MYO7A-related conditions. ClinVar contains an entry for this variant (Variation ID: 1363472). For these reasons, this variant has been classified as Pathogenic.

Literature cited by the submitters: PubMed 8900236 (cited by Labcorp Genetics (formerly Invitae), Labcorp); PubMed 25404053 (cited by Labcorp Genetics (formerly Invitae), Labcorp).

NM_000260.4(MYO7A):c.4959del (p.Asn1653fs)

Gene: MYO7A (myosin VIIA; plus strand). Cytogenetic location: 11q13.5.
Variant type: Deletion.
Coding change: c.4959del on transcript NM_000260.4 (MANE Select); coding-DNA position 4959, one base deleted (T; older notation c.4959delT).
Protein change: p.Asn1653fs; shifts the reading frame from asparagine 1653.
Molecular consequence: frameshift variant.
Genome position (GRCh38, 1-based): chr11:77,201,554, T deleted. VCF-style (leftmost placement, unchanged base first): chr11-77201553-AT-A. GRCh37 (hg19) VCF-style: chr11-76912598-AT-A.
Other names: c.4845del, p.Asn1615fs (NM_001127180.2); c.4812del, p.Asn1604fs (NM_001369365.1); short protein forms N1653fs, N1604fs, N1615fs.
Identifiers: ClinVar variation 1363472 (VCV001363472.7), dbSNP rs2135699333, ClinGen allele CA2573147749.